The following is an entry in ClinVar:

NM_015627.3(LDLRAP1):c.481G>A (p.Val161Ile)

Gene: LDLRAP1 (low density lipoprotein receptor adaptor protein 1; plus strand). Cytogenetic location: 1p36.11.
Variant type: single nucleotide variant.
Coding change: c.481G>A on transcript NM_015627.3 (MANE Select); coding-DNA position 481, G replaced by A.
Protein change: p.Val161Ile; replaces valine 161 with isoleucine.
Molecular consequence: missense variant.
Genome position (GRCh38, 1-based): chr1:25,562,665, G>A. VCF-style: chr1-25562665-G-A. GRCh37 (hg19) VCF-style: chr1-25889156-G-A.
Other names: c.481G>A (NM_015627.2); short protein forms V161I.
Identifiers: ClinVar variation 1433442 (VCV001433442.6), dbSNP rs757349366, ClinGen allele CA695582.

ClinVar aggregate classification (germline): Uncertain significance. Review status: criteria provided, multiple submitters, no conflicts (2 of 4 stars). 2 submissions from 2 submitters: Uncertain significance (2). Last evaluated 2025-09-01.

Conditions:
Hypercholesterolemia, familial, 4 (FHCL4). Also called: HYPERCHOLESTEROLEMIA, AUTOSOMAL RECESSIVE, 1; HYPERCHOLESTEROLEMIA, AUTOSOMAL RECESSIVE, 2. Identifiers: Orphanet 391665, MedGen C1863512, MONDO:0011374, OMIM 603813.
Cardiovascular phenotype. Identifiers: MedGen CN230736.

Allele frequency attached by ClinVar (database versions not stated): ExAC 0.00001; gnomAD 0.00001; gnomAD exomes 0.00001 and 0.00002; TOPMed 0.00001.
gnomAD v4.1: 19 of 1,614,042 alleles (0.0012%); highest among the groups gnomAD compares: East Asian, 0.0022%; no homozygotes.

Submissions (2):

Ambry Genetics
Classification: Uncertain significance for Cardiovascular phenotype. Last evaluated: 2025-09-01. Review status: criteria provided, single submitter. Criteria: Ambry Variant Classification Scheme 2023. Collection method: clinical testing. Allele origin: germline.

Labcorp Genetics (formerly Invitae), Labcorp
Classification: Uncertain significance for Hypercholesterolemia, familial, 4. Last evaluated: 2021-08-31. Review status: criteria provided, single submitter. Criteria: Invitae Variant Classification Sherloc (09022015). Collection method: clinical testing. Allele origin: germline.
Comment: This sequence change replaces valine with isoleucine at codon 161 of the LDLRAP1 protein (p.Val161Ile). The valine residue is highly conserved and there is a small physicochemical difference between valine and isoleucine. This variant is present in population databases (rs757349366, ExAC 0.006%). This variant has not been reported in the literature in individuals affected with LDLRAP1-related conditions. Algorithms developed to predict the effect of missense changes on protein structure and function are either unavailable or do not agree on the potential impact of this missense change (SIFT: "Deleterious"; PolyPhen-2: "Benign"; Align-GVGD: "Class C25"). In summary, the available evidence is currently insufficient to determine the role of this variant in disease. Therefore, it has been classified as a Variant of Uncertain Significance.